The following is an entry in ClinVar:

ClinVar aggregate classification (germline): Uncertain significance (1 of 4 stars; one submission).

Allele frequency attached by ClinVar (database versions not stated): gnomAD exomes below 0.00001.

Submission:

Labcorp Genetics (formerly Invitae), Labcorp
Classification: Uncertain significance. Last evaluated: 2022-03-13. Review status: criteria provided, single submitter. Criteria: Invitae Variant Classification Sherloc (09022015). Collection method: clinical testing. Allele origin: germline.
Comment: In summary, the available evidence is currently insufficient to determine the role of this variant in disease. Therefore, it has been classified as a Variant of Uncertain Significance. Algorithms developed to predict the effect of missense changes on protein structure and function are either unavailable or do not agree on the potential impact of this missense change (SIFT: "Deleterious"; PolyPhen-2: "Possibly Damaging"; Align-GVGD: "Class C0"). This variant has not been reported in the literature in individuals affected with CTNNB1-related conditions. This variant is present in population databases (no rsID available, gnomAD 0.0009%). This sequence change replaces arginine, which is basic and polar, with cysteine, which is neutral and slightly polar, at codon 549 of the CTNNB1 protein (p.Arg549Cys).

NM_001904.4(CTNNB1):c.1645C>T (p.Arg549Cys)

Genes: CTNNB1 (catenin beta 1; plus strand), LOC126806659 (BRD4-independent group 4 enhancer GRCh37_chr3:41274918-41276117; plus strand). Cytogenetic location: 3p22.1.
Variant type: single nucleotide variant.
Coding change: c.1645C>T on transcript NM_001904.4 (MANE Select); coding-DNA position 1645, C replaced by T.
Protein change: p.Arg549Cys; replaces arginine 549 with cysteine.
Molecular consequence: missense variant.
Genome position (GRCh38, 1-based): chr3:41,234,259, C>T. VCF-style: chr3-41234259-C-T. GRCh37 (hg19) VCF-style: chr3-41275750-C-T.
Other names: c.1645C>T, p.Arg549Cys (NM_001098209.2, NM_001098210.2); c.1624C>T, p.Arg542Cys (NM_001330729.2); short protein forms R542C, R549C.
Identifiers: ClinVar variation 2111241 (VCV002111241.4), dbSNP rs1210247690, ClinGen allele CA352234408.